The following is an entry in ClinVar:

ClinVar aggregate classification (germline): Pathogenic (1 of 4 stars; one submission).

Conditions:
Autosomal recessive polycystic kidney disease (ARPKD). Also called: AR polycystic kidney disease. Identifiers: Orphanet 731, Orphanet 8378, MedGen C0085548, MeSH D017044, MONDO:0009889.

Submission:

Natera, Inc.
Classification: Pathogenic for Autosomal recessive polycystic kidney disease. Last evaluated: 2025-09-19. Review status: criteria provided, single submitter. Criteria: Natera Variant Classification Schema (03/2026). Collection method: clinical testing. Allele origin: germline.
Comment: The c.3988delC variant in PKHD1 is a frameshift variant predicted to shift the reading frame beginning at codon 1330 and leads to a stop codon 5 codons downstream. This variant is expected to result in nonsense mediated decay, truncation, or a dysfunctional protein product. This variant is rare in the general population with a frequency below the threshold expected for the associated phenotype(s). This variant has been observed in one or more individuals affected with the associated recessive disease, as either homozygous or compound heterozygous with a second variant (PMID: 39071699). Additionally, this variant has been observed to segregate in affected family members (PMID: 39071699). Given the available evidence, this variant is classified as Pathogenic.

Literature cited by the submitters: PubMed 39071699.

NM_138694.4(PKHD1):c.3988del (p.Leu1330fs)

Gene: PKHD1 (PKHD1 ciliary IPT domain containing fibrocystin/polyductin; minus strand). Cytogenetic location: 6p12.2.
Variant type: Deletion.
Coding change: c.3988del on transcript NM_138694.4 (MANE Select); coding-DNA position 3988, one base deleted (C; older notation c.3988delC).
Protein change: p.Leu1330fs; shifts the reading frame from leucine 1330.
Molecular consequence: frameshift variant.
Genome position (GRCh38, 1-based): chr6:52,025,822, G deleted on the plus strand (C on the coding strand, the reverse complement: PKHD1 is on the minus strand); the first of 2 consecutive G bases (chr6:52,025,822-52,025,823); deleting either gives the same sequence. VCF-style (leftmost placement, unchanged base first): chr6-52025821-AG-A. GRCh37 (hg19) VCF-style: chr6-51890619-AG-A.
Other names: c.3988del, p.Leu1330fs (NM_170724.3); short protein forms L1330fs.
Identifiers: ClinVar variation 4816654 (VCV004816654.1).